The following is an entry in ClinVar:

NM_000179.3(MSH6):c.816_817insTTCC (p.Gly273fs)

Gene: MSH6 (mutS homolog 6; plus strand). Cytogenetic location: 2p16.3.
Variant type: Insertion.
Coding change: c.816_817insTTCC on transcript NM_000179.3 (MANE Select); coding-DNA positions 816 to 817, TTCC inserted.
Protein change: p.Gly273fs; shifts the reading frame from glycine 273.
Molecular consequence: frameshift variant. On other transcripts: 5 prime UTR variant (2).
Genome position: GRCh38 VCF-style: chr2-47798799-A-ATTCC. GRCh37 (hg19) VCF-style: chr2-48025938-A-ATTCC.
Other names: c.426_427insTTCC, p.Gly143fs (NM_001281492.2); c.-91_-90insTTCC (NM_001281493.2, NM_001281494.2, NM_001406811.1 and 6 more transcripts); c.912_913insTTCC, p.Gly305Phefs (NM_001406795.1, NM_001406802.1); c.816_817insTTCC, p.Gly273Phefs (NM_001406796.1, NM_001406798.1, NM_001406800.1 and 4 more transcripts); c.519_520insTTCC, p.Gly174Phefs (NM_001406797.1, NM_001406801.1, NM_001406805.1 and 10 more transcripts); c.291_292insTTCC, p.Gly98Phefs (NM_001406799.1, NM_001406806.1, NM_001406807.1); c.738_739insTTCC, p.Gly247Phefs (NM_001406804.1); c.822_823insTTCC, p.Gly275Phefs (NM_001406813.1); and 1 more; short protein forms G273fs, G143fs.
Identifiers: ClinVar variation 1762226 (VCV001762226.2), dbSNP rs2530572746, ClinGen allele CA2580067247.

ClinVar aggregate classification (germline): Pathogenic (1 of 4 stars; one submission).

Conditions:
Hereditary cancer-predisposing syndrome. Also called: Neoplastic Syndromes, Hereditary; Tumor predisposition; Hereditary Cancer Syndrome; Hereditary neoplastic syndrome. Identifiers: Orphanet 140162, MedGen C0027672, MeSH D009386, MONDO:0015356.

Submission:

Ambry Genetics
Classification: Pathogenic for Hereditary cancer-predisposing syndrome. Last evaluated: 2019-10-17. Review status: criteria provided, single submitter. Criteria: Ambry Variant Classification Scheme 2023. Collection method: clinical testing. Allele origin: germline.
Comment: The c.816_817insTTCC pathogenic mutation, located in coding exon 4 of the MSH6 gene, results from an insertion of 4 nucleotides at position 816, causing a translational frameshift with a predicted alternate stop codon (p.G273Ffs*5). This alteration is expected to result in loss of function by premature protein truncation or nonsense-mediated mRNA decay. As such, this alteration is interpreted as a disease-causing mutation.